The following is an entry in ClinVar:

ClinVar aggregate classification (germline): Likely benign (0 of 4 stars; one submission).

Conditions:
PHIP-related disorder. Also called: PHIP-related condition; PHIP-related disorders.

gnomAD v4.1: 3 of 1,613,658 alleles (0.00019%); highest among the groups gnomAD compares: Non-Finnish European, 0.00025%; no homozygotes.

Submission:

PreventionGenetics, part of Exact Sciences
Classification: Likely benign for PHIP-related condition. Last evaluated: 2022-02-12. Review status: no assertion criteria provided. Collection method: clinical testing. Allele origin: germline.
Comment: This variant is classified as likely benign based on ACMG/AMP sequence variant interpretation guidelines (Richards et al. 2015 PMID: 25741868, with internal and published modifications).

NM_017934.7(PHIP):c.3078A>G (p.Leu1026=)

Genes: IRAK1BP1 (interleukin 1 receptor associated kinase 1 binding protein 1; plus strand), PHIP (PHIP subunit of CUL4-Ring ligase complex; minus strand). Cytogenetic location: 6q14.1.
Variant type: single nucleotide variant.
Coding change: c.3078A>G on transcript NM_017934.7 (MANE Select); coding-DNA position 3078, A replaced by G.
Protein change: p.Leu1026=; no amino-acid change (leucine 1026 retained).
Molecular consequence: synonymous variant.
Genome position (GRCh38, 1-based): chr6:78,970,093, T>C on the plus strand (A>G on the coding strand, the complement: PHIP is on the minus strand). VCF-style: chr6-78970093-T-C. GRCh37 (hg19) VCF-style: chr6-79679810-T-C.
Identifiers: ClinVar variation 3355289 (VCV003355289.1).